The following is an entry in ClinVar:

NM_012479.4(YWHAG):c.418G>A (p.Gly140Arg)

Gene: YWHAG (tyrosine 3-monooxygenase/tryptophan 5-monooxygenase activation protein gamma; minus strand). Cytogenetic location: 7q11.23.
Variant type: single nucleotide variant.
Coding change: c.418G>A on transcript NM_012479.4 (MANE Select); coding-DNA position 418, G replaced by A.
Protein change: p.Gly140Arg; replaces glycine 140 with arginine.
Molecular consequence: missense variant.
Genome position (GRCh38, 1-based): chr7:76,329,903, C>T on the plus strand (G>A on the coding strand, the complement: YWHAG is on the minus strand). VCF-style: chr7-76329903-C-T. GRCh37 (hg19) VCF-style: chr7-75959220-C-T.
Other names: c.418G>A (NM_012479.3); short protein forms G140R.
Identifiers: ClinVar variation 2174712 (VCV002174712.5), dbSNP rs1803518492, ClinGen allele CA367777272.

ClinVar aggregate classification (germline): Uncertain significance. Review status: criteria provided, multiple submitters, no conflicts (2 of 4 stars). 2 submissions from 2 submitters: Uncertain significance (2). Last evaluated 2026-03-31.

Conditions:
Inborn genetic diseases. Identifiers: MedGen C0950123, MeSH D030342.

Allele frequency attached by ClinVar (database versions not stated): gnomAD 0.00001; gnomAD exomes below 0.00001.

Submissions (2):

Ambry Genetics
Classification: Uncertain significance for Inborn genetic diseases. Last evaluated: 2026-03-31. Review status: criteria provided, single submitter. Criteria: Ambry Variant Classification Scheme 2023. Collection method: clinical testing. Allele origin: germline.

Labcorp Genetics (formerly Invitae), Labcorp
Classification: Uncertain significance. Last evaluated: 2024-10-17. Review status: criteria provided, single submitter. Criteria: Invitae Variant Classification Sherloc (09022015). Collection method: clinical testing. Allele origin: germline.
Comment: This sequence change replaces glycine, which is neutral and non-polar, with arginine, which is basic and polar, at codon 140 of the YWHAG protein (p.Gly140Arg). This variant is not present in population databases (gnomAD no frequency). This missense change has been observed in individual(s) with clinical features of YWHAG-related conditions (PMID: 34615535). ClinVar contains an entry for this variant (Variation ID: 2174712). Invitae Evidence Modeling of protein sequence and biophysical properties (such as structural, functional, and spatial information, amino acid conservation, physicochemical variation, residue mobility, and thermodynamic stability) indicates that this missense variant is not expected to disrupt YWHAG protein function with a negative predictive value of 80%. In summary, the available evidence is currently insufficient to determine the role of this variant in disease. Therefore, it has been classified as a Variant of Uncertain Significance.

Literature cited by the submitters: PubMed 34615535 (cited by Labcorp Genetics (formerly Invitae), Labcorp).